The following is an entry in ClinVar:

ClinVar aggregate classification (germline): Uncertain significance (1 of 4 stars; one submission).

gnomAD v4.1: 2 of 1,613,676 alleles (0.00012%); highest among the groups gnomAD compares: Admixed American, 0.0017%; no homozygotes.

Submission:

GeneDx
Classification: Uncertain significance. Last evaluated: 2026-02-26. Review status: criteria provided, single submitter. Criteria: GeneDx Variant Classification Process June 2021. Collection method: clinical testing. Allele origin: germline.
Comment: Not observed at significant frequency in large population cohorts (gnomAD); In silico analysis supports that this missense variant has a deleterious effect on protein structure/function; Has not been previously published as pathogenic or benign to our knowledge

NM_001130021.3(ATP6V0A1):c.2093A>G (p.His698Arg)

Gene: ATP6V0A1 (ATPase H+ transporting V0 subunit a1; plus strand). Cytogenetic location: 17q21.2.
Variant type: single nucleotide variant.
Coding change: c.2093A>G on transcript NM_001130021.3 (MANE Select); coding-DNA position 2093, A replaced by G.
Protein change: p.His698Arg; replaces histidine 698 with arginine.
Molecular consequence: missense variant. On other transcripts: intron variant (3).
Genome position (GRCh38, 1-based): chr17:42,507,608, A>G. VCF-style: chr17-42507608-A-G. GRCh37 (hg19) VCF-style: chr17-40659626-A-G.
Other names: c.2114A>G, p.His705Arg (NM_001130020.3, NM_001378522.1, NM_001378539.1 and 1 more transcripts); c.2291A>G, p.His764Arg (NM_001378530.1); c.2237A>G, p.His746Arg (NM_001378531.1, NM_001378532.1); c.2216A>G, p.His739Arg (NM_001378533.1, NM_001378551.1, NM_001378552.1); c.2189A>G, p.His730Arg (NM_001378534.1); c.2168A>G, p.His723Arg (NM_001378535.1); c.1985A>G, p.His662Arg (NM_001378536.1, NM_001378550.1, NM_001378556.1); c.1964A>G, p.His655Arg (NM_001378538.1, NM_001378540.1); and 8 more; short protein forms H616R, H645R, H705R, H638R, H662R, H723R, H764R, H628R.
Identifiers: ClinVar variation 5008129 (VCV005008129.1).